The following is an entry in ClinVar:

NM_006946.4(SPTBN2):c.6751C>T (p.Arg2251Trp)

Gene: SPTBN2 (spectrin beta, non-erythrocytic 2; minus strand). Cytogenetic location: 11q13.2.
Variant type: single nucleotide variant.
Coding change: c.6751C>T on transcript NM_006946.4 (MANE Select); coding-DNA position 6751, C replaced by T.
Protein change: p.Arg2251Trp; replaces arginine 2251 with tryptophan.
Molecular consequence: missense variant.
Genome position (GRCh38, 1-based): chr11:66,687,139, G>A on the plus strand (C>T on the coding strand, the complement: SPTBN2 is on the minus strand). VCF-style: chr11-66687139-G-A. GRCh37 (hg19) VCF-style: chr11-66454610-G-A.
Other names: p.Arg2251Trp; c.6751C>T (NM_006946.3); short protein forms R2251W.
Identifiers: ClinVar variation 305528 (VCV000305528.36), dbSNP rs150607879, ClinGen allele CA6127796.

ClinVar aggregate classification (germline): Conflicting classifications of pathogenicity. Review status: criteria provided, conflicting classifications (1 of 4 stars). 7 submissions from 7 submitters: Uncertain significance (2); Benign (1); Likely benign (3). 1 of the submissions does not count toward it. Last evaluated 2025-07-01.

Conditions:
Inborn genetic diseases. Identifiers: MedGen C0950123, MeSH D030342.
SPTBN2-related disorder. Also called: SPTBN2-related condition.

Allele frequency attached by ClinVar (database versions not stated): ESP Exome Variant Server 0.00023; gnomAD 0.00061 and 0.00062; TOPMed 0.00062; ExAC 0.00071; gnomAD exomes 0.00072; 1000 Genomes Project 0.00120; 1000 Genomes Project 30x 0.00156.

Submissions (7):

CeGaT Center for Human Genetics Tuebingen
Classification: Likely benign. Last evaluated: 2025-07-01. Review status: criteria provided, single submitter. Criteria: CeGaT Center For Human Genetics Tuebingen Variant Classification Criteria Version 2. Collection method: clinical testing. Allele origin: germline. Affected: yes. Observed: 3 variant alleles.
Comment: SPTBN2: BS1

GeneDx
Classification: Uncertain significance. Last evaluated: 2025-04-23. Review status: criteria provided, single submitter. Criteria: GeneDx Variant Classification Process June 2021. Collection method: clinical testing. Allele origin: germline.
Comment: In silico analysis supports that this missense variant has a deleterious effect on protein structure/function; Has not been previously published as pathogenic or benign to our knowledge

Labcorp Genetics (formerly Invitae), Labcorp
Classification: Benign. Last evaluated: 2025-04-20. Review status: criteria provided, single submitter. Criteria: Invitae Variant Classification Sherloc (09022015). Collection method: clinical testing. Allele origin: germline.

Blueprint Genetics
Classification: Uncertain significance. Last evaluated: 2024-11-07. Review status: criteria provided, single submitter. Criteria: ACMG Guidelines, 2015. Collection method: clinical testing. Allele origin: germline.

Mayo Clinic Laboratories, Mayo Clinic
Classification: Likely benign. Last evaluated: 2024-11-07. Review status: criteria provided, single submitter. Criteria: ACMG Guidelines, 2015. Collection method: clinical testing. Allele origin: germline. Observed: 2 variant alleles.
Comment: BA1

Ambry Genetics
Classification: Likely benign for Inborn genetic diseases. Last evaluated: 2021-07-27. Review status: criteria provided, single submitter. Criteria: Ambry Variant Classification Scheme 2023. Collection method: clinical testing. Allele origin: germline.

PreventionGenetics, part of Exact Sciences
Classification: Likely benign for SPTBN2-related condition. Last evaluated: 2020-08-07. Review status: no assertion criteria provided. Collection method: clinical testing. Allele origin: germline. Not counted in ClinVar's aggregate classification.
Comment: This variant is classified as likely benign based on ACMG/AMP sequence variant interpretation guidelines (Richards et al. 2015 PMID: 25741868, with internal and published modifications).